The following is an entry in ClinVar:

ClinVar aggregate classification (germline): Likely pathogenic. Review status: criteria provided, multiple submitters, no conflicts (2 of 4 stars). 2 submissions from 2 submitters: Likely pathogenic (2). Last evaluated 2024-10-09.

Conditions:
Hereditary spherocytosis type 1. Also called: Spherocytosis type 1; ANK1-Related Spherocytosis. Identifiers: Orphanet 822, MedGen C2674218, MONDO:0008447, OMIM 182900.

Submissions (2):

Labcorp Genetics (formerly Invitae), Labcorp
Classification: Likely pathogenic. Last evaluated: 2024-10-09. Review status: criteria provided, single submitter. Criteria: Invitae Variant Classification Sherloc (09022015). Collection method: clinical testing. Allele origin: germline.
Comment: This sequence change affects a donor splice site in intron 1 of the ANK1 gene. It is expected to disrupt RNA splicing. Variants that disrupt the donor or acceptor splice site typically lead to a loss of protein function (PMID: 16199547), and loss-of-function variants in ANK1 are known to be pathogenic (PMID: 8640229). This variant is not present in population databases (gnomAD no frequency). This variant has not been reported in the literature in individuals affected with ANK1-related conditions. Algorithms developed to predict the effect of sequence changes on RNA splicing suggest that this variant may disrupt the consensus splice site. In summary, the currently available evidence indicates that the variant is pathogenic, but additional data are needed to prove that conclusively. Therefore, this variant has been classified as Likely Pathogenic.

Revvity Omics, Revvity
Classification: Likely pathogenic for Hereditary spherocytosis type 1. Last evaluated: 2024-02-13. Review status: criteria provided, single submitter. Criteria: ACMG Guidelines, 2015. Collection method: clinical testing. Allele origin: germline.

Literature cited by the submitters: PubMed 16199547 (cited by Labcorp Genetics (formerly Invitae), Labcorp); PubMed 8640229 (cited by Labcorp Genetics (formerly Invitae), Labcorp).

NM_000037.4(ANK1):c.27+1G>A

Gene: ANK1 (ankyrin 1; minus strand). Cytogenetic location: 8p11.21.
Variant type: single nucleotide variant.
Coding change: c.27+1G>A on transcript NM_000037.4 (MANE Select); the canonical splice donor site of the intron after coding-DNA position 27, G replaced by A.
Molecular consequence: splice donor variant. On other transcripts: intron variant (1).
Genome position (GRCh38, 1-based): chr8:41,797,511, C>T on the plus strand (G>A on the coding strand, the complement: ANK1 is on the minus strand). VCF-style: chr8-41797511-C-T. GRCh37 (hg19) VCF-style: chr8-41655029-C-T.
Other names: c.127-39374G>A (NM_001142446.2); c.27+1G>A (NM_020477.3, NM_020475.3, NM_020476.3).
Identifiers: ClinVar variation 3658217 (VCV003658217.3).